The following is an entry in ClinVar:

NM_005450.6(NOG):c.539G>A (p.Ser180Asn)

Gene: NOG (noggin; plus strand). Cytogenetic location: 17q22.
Variant type: single nucleotide variant.
Coding change: c.539G>A on transcript NM_005450.6 (MANE Select); coding-DNA position 539, G replaced by A.
Protein change: p.Ser180Asn; replaces serine 180 with asparagine.
Molecular consequence: missense variant.
Genome position (GRCh38, 1-based): chr17:56,594,762, G>A. VCF-style: chr17-56594762-G-A. GRCh37 (hg19) VCF-style: chr17-54672123-G-A.
Other names: short protein forms S180N.
Identifiers: ClinVar variation 4709499 (VCV004709499.1).

ClinVar aggregate classification (germline): Uncertain significance (1 of 4 stars; one submission).

gnomAD v4.1: 25 of 1,613,768 alleles (0.0015%); highest among the groups gnomAD compares: South Asian, 0.026%; no homozygotes.

Submission:

Labcorp Genetics (formerly Invitae), Labcorp
Classification: Uncertain significance. Last evaluated: 2025-12-22. Review status: criteria provided, single submitter. Criteria: Invitae Variant Classification Sherloc (09022015). Collection method: clinical testing. Allele origin: germline.
Comment: This sequence change replaces serine, which is neutral and polar, with asparagine, which is neutral and polar, at codon 180 of the NOG protein (p.Ser180Asn). This variant is present in population databases (rs574424465, gnomAD 0.02%). This variant has not been reported in the literature in individuals affected with NOG-related conditions. An algorithm developed to predict the effect of missense changes on protein structure and function (PolyPhen-2) suggests that this variant is likely to be tolerated. In summary, the available evidence is currently insufficient to determine the role of this variant in disease. Therefore, it has been classified as a Variant of Uncertain Significance.